The following is an entry in ClinVar:

NM_152383.5(DIS3L2):c.1907C>T (p.Ser636Phe)

Gene: DIS3L2 (DIS3 like 3'-5' exoribonuclease 2; plus strand). Cytogenetic location: 2q37.1.
Variant type: single nucleotide variant.
Coding change: c.1907C>T on transcript NM_152383.5 (MANE Select); coding-DNA position 1907, C replaced by T.
Protein change: p.Ser636Phe; replaces serine 636 with phenylalanine.
Molecular consequence: missense variant. On other transcripts: non-coding transcript variant (2), intron variant (1).
Genome position (GRCh38, 1-based): chr2:232,329,980, C>T. VCF-style: chr2-232329980-C-T. GRCh37 (hg19) VCF-style: chr2-233194690-C-T.
Other names: c.1582-13365C>T (NM_001257281.2); short protein forms S636F.
Identifiers: ClinVar variation 660422 (VCV000660422.8), dbSNP rs1575023446, ClinGen allele CA350976280.

ClinVar aggregate classification (germline): Uncertain significance (1 of 4 stars; one submission).

Conditions:
Perlman syndrome (PRLMNS). Identifiers: Orphanet 2849, MedGen C0796113, MONDO:0009965, OMIM 267000.

Submission:

Labcorp Genetics (formerly Invitae), Labcorp
Classification: Uncertain significance for Perlman syndrome. Last evaluated: 2023-07-16. Review status: criteria provided, single submitter. Criteria: Invitae Variant Classification Sherloc (09022015). Collection method: clinical testing. Allele origin: germline.
Comment: This sequence change replaces serine, which is neutral and polar, with phenylalanine, which is neutral and non-polar, at codon 636 of the DIS3L2 protein (p.Ser636Phe). This variant is not present in population databases (gnomAD no frequency). This variant has not been reported in the literature in individuals affected with DIS3L2-related conditions. ClinVar contains an entry for this variant (Variation ID: 660422). Advanced modeling of protein sequence and biophysical properties (such as structural, functional, and spatial information, amino acid conservation, physicochemical variation, residue mobility, and thermodynamic stability) performed at Invitae indicates that this missense variant is expected to disrupt DIS3L2 protein function. In summary, the available evidence is currently insufficient to determine the role of this variant in disease. Therefore, it has been classified as a Variant of Uncertain Significance.